The following continues an entry in ClinVar:

NM_000256.3(MYBPC3):c.2980C>T (p.Leu994Phe)

Gene: MYBPC3. ClinVar aggregate classification (germline): Conflicting classifications of pathogenicity. Uncertain significance (11); Benign (1); Likely benign (2).

Submissions 10 to 15 of 15:

Clinical Genomics Laboratory, Stanford Medicine
Classification: Uncertain significance for Hypertrophic cardiomyopathy 4; Left ventricular noncompaction 10. Last evaluated: 2023-02-17. Review status: criteria provided, single submitter. Criteria: ACMG Guidelines, 2015. Collection method: clinical testing. Allele origin: germline. Observed: 1 variant allele, 1 heterozygote.
Comment: The p.Leu994Phe variant in the MYBPC3 gene has been previously reported in an individual with hypertrophic cardiomyopathy (Burns et al., 2017) and 2 individuals with sudden unexplained death (Bagnall et al., 2016; Lin et al., 2017). This variant has also been reported in 1 control participant from a cardiac genetic testing study and in two participants from the Framingham Heart Study/Jackson Heart Study cohort; however, clinical details were limited (Bick et al., 2012; Kapplinger et al., 2014). This variant has also been identified in 16/98514 (European Non-Finnish) chromosomes (19/224572 chromosomes overall) by the Genome Aggregation Database. This variant is present in ClinVar (VCV000180992.31). Computational tools predict that this variant is neither deleterious nor benign; however, the accuracy of in silico algorithms is limited. These data were assessed using the ACMG/AMP variant interpretation guidelines. In summary, the significance of the p.Leu994Phe variant is uncertain. Additional information is needed to resolve the significance of this variant. [ACMG evidence codes used: none]

Illumina Laboratory Services, Illumina
Classification: Uncertain significance for Hypertrophic cardiomyopathy 4. Last evaluated: 2018-01-26. Review status: criteria provided, single submitter. Criteria: ICSL Variant Classification Criteria 13 December 2019. Collection method: clinical testing. Allele origin: germline.
Comment: This variant was observed as part of a predisposition screen in an ostensibly healthy population. A literature search was performed for the gene, cDNA change, and amino acid change (where applicable). Publications were found based on this search. However, the evidence from the literature, in combination with allele frequency data from public databases where available, was not sufficient to rule this variant in or out of causing disease. Therefore, this variant is classified as a variant of unknown significance.

Illumina Laboratory Services, Illumina
Classification: Benign for Left ventricular noncompaction 10. Last evaluated: 2018-01-26. Review status: criteria provided, single submitter. Criteria: ICSL Variant Classification Criteria 13 December 2019. Collection method: clinical testing. Allele origin: germline.
Comment: This variant was observed as part of a predisposition screen in an ostensibly healthy population. A literature search was performed for the gene, cDNA change, and amino acid change (where applicable). No publications were found based on this search. Allele frequency data from public databases was too high to be consistent with this variant causing disease. Therefore, this variant is classified as benign.

CSER _CC_NCGL, University of Washington
Classification: Uncertain significance for Hypertrophic Cardiomyopathy. Last evaluated: 2015-03-11. Review status: criteria provided, single submitter. Criteria: Amendola et al. (Genome Res. 2015). Collection method: research. Allele origin: germline. Inheritance: Autosomal dominant inheritance. Study: CSER - NEXT Medicine variant annotation.

Neuberg Centre For Genomic Medicine, NCGM
Classification: Uncertain significance for Hypertrophic cardiomyopathy 4. Review status: criteria provided, single submitter. Criteria: ACMG Guidelines, 2015. Collection method: clinical testing. Allele origin: germline. Inheritance: Autosomal dominant inheritance. Affected: yes.
Comment: The missense c.2980C>T (p.Leu994Phe) Variant in MYBPC3 gene has been reported in heterozygous state individual(s) with hypertrophic cardiomyopathy(Lin, Ying et al.,2017). The amino acid Leu at position 994 is changed to a Phe changing protein sequence and it might alter its composition and physico-chemical properties.The variant is 0.008% alleles in gnomAD Exomes and is novel (not in any individuals) in 1000 Genomes This variant has been reported to the ClinVar database as Uncertain significance/ Benign. The amino acid change p.Leu994Phe in MYBPC3 is predicted as conserved by GERP++ and PhyloP across 100 vertebrates. The available evidence is currently insufficient to determine the role of this variant in disease. For these reasons, this variant has been classified as Uncertain Significance.

Agnes Ginges Centre for Molecular Cardiology, Centenary Institute
Classification: Uncertain significance for Hypertrophic cardiomyopathy. Last evaluated: 2019-06-03. Review status: no assertion criteria provided. Collection method: research. Allele origin: germline. Inheritance: Autosomal dominant inheritance. Affected: yes. Not counted in ClinVar's aggregate classification.
Comment: The MYBPC3 Leu994Phe variant has been reported in 2 healthy individuals in the Framingham/Jackson Heart Study (Bick AG, et al., 2012) and is present in the Genome Aggregation Database at an allele frequency of 0.00008. We have identified this variant in 2 probands. Computational tools are in agreement and predict a deleterious effect. In summary, the variant has been identified in 2 healthy individuals and is found to segregate with a rare variant in our family. We therefore classify MYBPC3 Leu994Phe as a variant of "uncertain significance".

Literature cited by the submitters: PubMed 29247119 (cited by 4 submitters); PubMed 28790153 (cited by 5 submitters); PubMed 36252119 (cited by Women's Health and Genetics/Laboratory Corporation of America, LabCorp); PubMed 34935411 (cited by Labcorp Genetics (formerly Invitae), Labcorp and All of Us Research Program, National Institutes of Health); PubMed 37652022 (cited by Labcorp Genetics (formerly Invitae), Labcorp); PubMed 27332903 (cited by 3 submitters); PubMed 22958901 (cited by 3 submitters); PubMed 24510615 (cited by 3 submitters).